The following is an entry in ClinVar:

ClinVar aggregate classification (germline): Likely benign (1 of 4 stars; one submission).

Submission:

CeGaT Center for Human Genetics Tuebingen
Classification: Likely benign. Last evaluated: 2024-12-01. Review status: criteria provided, single submitter. Criteria: CeGaT Center For Human Genetics Tuebingen Variant Classification Criteria Version 2. Collection method: clinical testing. Allele origin: germline. Affected: yes. Observed: 1 variant allele.
Comment: PDE6B: PM2:Supporting, BP4, BP7

NM_000283.4(PDE6B):c.330T>C (p.Leu110=)

Gene: PDE6B (phosphodiesterase 6B; plus strand). Cytogenetic location: 4p16.3.
Variant type: single nucleotide variant.
Coding change: c.330T>C on transcript NM_000283.4 (MANE Select); coding-DNA position 330, T replaced by C.
Protein change: p.Leu110=; no amino-acid change (leucine 110 retained).
Molecular consequence: synonymous variant.
Genome position (GRCh38, 1-based): chr4:625,956, T>C. VCF-style: chr4-625956-T-C. GRCh37 (hg19) VCF-style: chr4-619745-T-C.
Other names: c.330T>C, p.Leu110= (NM_001145291.2).
Identifiers: ClinVar variation 3771671 (VCV003771671.13).